The following is an entry in ClinVar:

NM_002439.5(MSH3):c.2057_2066del (p.Leu686fs)

Gene: MSH3 (mutS homolog 3; plus strand). Cytogenetic location: 5q14.1.
Variant type: Deletion.
Coding change: c.2057_2066del on transcript NM_002439.5 (MANE Select); coding-DNA positions 2057 to 2066, 10 bases deleted (TAAAGATACT; older notation c.2057_2066delTAAAGATACT).
Protein change: p.Leu686fs; shifts the reading frame from leucine 686.
Molecular consequence: frameshift variant.
Genome position (GRCh38, 1-based): chr5:80,768,093-80,768,102, TAAAGATACT deleted; deleting any 10 consecutive bases within chr5:80,768,089-80,768,102 gives the same sequence; the c. name uses the placement nearest the transcript's 3' end. VCF-style (leftmost placement, unchanged base first): chr5-80768088-TTACTTAAAGA-T. GRCh37 (hg19) VCF-style: chr5-80063907-TTACTTAAAGA-T.
Other names: c.2057_2066del10 (NM_002439.3); short protein forms L686fs.
Identifiers: ClinVar variation 1410839 (VCV001410839.8), dbSNP rs766122076, ClinGen allele CA3328119.

ClinVar aggregate classification (germline): Pathogenic/Likely pathogenic. Review status: criteria provided, multiple submitters, no conflicts (2 of 4 stars). 3 submissions from 3 submitters: Pathogenic (2); Likely pathogenic (1). Last evaluated 2026-06-18.

Conditions:
Hereditary cancer-predisposing syndrome. Also called: Hereditary Cancer Syndrome; Neoplastic Syndromes, Hereditary; Hereditary neoplastic syndrome; Tumor predisposition. Identifiers: Orphanet 140162, MedGen C0027672, MeSH D009386, MONDO:0015356.
Endometrial carcinoma. Also called: Endometrial carcinoma, somatic. Identifiers: MedGen C0476089, MONDO:0002447, OMIM 608089, HP:0012114.

Submissions (3):

Ambry Genetics
Classification: Pathogenic for Hereditary cancer-predisposing syndrome. Last evaluated: 2026-06-18. Review status: criteria provided, single submitter. Criteria: Ambry Variant Classification Scheme 2023. Collection method: clinical testing. Allele origin: germline.
Comment: The c.2057_2066del10 variant, located in coding exon 14 of the MSH3 gene, results from a deletion of 10 nucleotides at nucleotide positions 2057 to 2066, causing a translational frameshift with a predicted alternate stop codon (p.L686Sfs*23). This variant is considered to be rare based on population cohorts in the Genome Aggregation Database (gnomAD). This alteration is expected to result in loss of function by premature protein truncation or nonsense-mediated mRNA decay. As such, this alteration is interpreted as a disease-causing mutation.

Labcorp Genetics (formerly Invitae), Labcorp
Classification: Pathogenic. Last evaluated: 2025-02-09. Review status: criteria provided, single submitter. Criteria: Invitae Variant Classification Sherloc (09022015). Collection method: clinical testing. Allele origin: germline.
Comment: This sequence change creates a premature translational stop signal (p.Leu686Serfs*23) in the MSH3 gene. It is expected to result in an absent or disrupted protein product. Loss-of-function variants in MSH3 are known to be pathogenic (PMID: 27476653, 37402566). This variant is present in population databases (rs766122076, gnomAD 0.006%). This variant has not been reported in the literature in individuals affected with MSH3-related conditions. ClinVar contains an entry for this variant (Variation ID: 1410839). For these reasons, this variant has been classified as Pathogenic.

Baylor Genetics
Classification: Likely pathogenic for Endometrial carcinoma. Last evaluated: 2022-09-12. Review status: criteria provided, single submitter. Criteria: ACMG Guidelines, 2015. Collection method: clinical testing. Allele origin: unknown.

Literature cited by the submitters: PubMed 27476653 (cited by Labcorp Genetics (formerly Invitae), Labcorp); PubMed 37402566 (cited by Labcorp Genetics (formerly Invitae), Labcorp).